The following is an entry in ClinVar:

ClinVar aggregate classification (germline): Uncertain significance (1 of 4 stars; one submission).

Submission:

GeneDx
Classification: Uncertain significance. Last evaluated: 2025-06-23. Review status: criteria provided, single submitter. Criteria: GeneDx Variant Classification Process June 2021. Collection method: clinical testing. Allele origin: germline. Affected: yes.
Comment: Not observed at significant frequency in large population cohorts (gnomAD); In silico analysis supports that this missense variant has a deleterious effect on protein structure/function; Has not been previously published as pathogenic or benign to our knowledge

NM_000257.4(MYH7):c.3202G>C (p.Asp1068His)

Gene: MYH7 (myosin heavy chain 7; minus strand). Cytogenetic location: 14q11.2.
Variant type: single nucleotide variant.
Coding change: c.3202G>C on transcript NM_000257.4 (MANE Select); coding-DNA position 3202, G replaced by C.
Protein change: p.Asp1068His; replaces aspartic acid 1068 with histidine.
Molecular consequence: missense variant.
Genome position (GRCh38, 1-based): chr14:23,422,223, C>G on the plus strand (G>C on the coding strand, the complement: MYH7 is on the minus strand). VCF-style: chr14-23422223-C-G. GRCh37 (hg19) VCF-style: chr14-23891432-C-G.
Other names: c.3202G>C, p.Asp1068His (NM_001407004.1); short protein forms D1068H.
Identifiers: ClinVar variation 4540178 (VCV004540178.1).
Genomic context (GRCh38, chr14:23,422,223, plus strand): 5'-GGGAGGGGACACAGTACTTTTTCAGCCGCTCATCCAGCTGCTGCTTGTCATTCTCCAGGT[C>G]CATGATGCTCTCCTGGGTCAGCTTCAGGTCGCCCTCCAGCTTCCGCTTCGCTCGCTCCAG-3'
Protein context (NP_000248.2, residues 1058-1078): DLKLTQESIM[Asp1068His]LENDKQQLDE